The following is an entry in ClinVar:

ClinVar aggregate classification (germline): Uncertain significance (1 of 4 stars; one submission).

Allele frequency attached by ClinVar (database versions not stated): gnomAD exomes below 0.00001.
gnomAD v4.1: 6 of 1,609,440 alleles (0.00037%); highest among the groups gnomAD compares: Non-Finnish European, 0.00042%; no homozygotes.

Submission:

Labcorp Genetics (formerly Invitae), Labcorp
Classification: Uncertain significance. Last evaluated: 2022-05-12. Review status: criteria provided, single submitter. Criteria: Invitae Variant Classification Sherloc (09022015). Collection method: clinical testing. Allele origin: germline.
Comment: This variant is not present in population databases (gnomAD no frequency). This sequence change replaces alanine, which is neutral and non-polar, with threonine, which is neutral and polar, at codon 3695 of the PCLO protein (p.Ala3695Thr). This variant has not been reported in the literature in individuals affected with PCLO-related conditions. In summary, the available evidence is currently insufficient to determine the role of this variant in disease. Therefore, it has been classified as a Variant of Uncertain Significance. Algorithms developed to predict the effect of missense changes on protein structure and function are either unavailable or do not agree on the potential impact of this missense change (SIFT: "Tolerated"; PolyPhen-2: "Not Available"; Align-GVGD: "Class C0").

NM_033026.6(PCLO):c.11083G>A (p.Ala3695Thr)

Gene: PCLO (piccolo presynaptic cytomatrix protein; minus strand). Cytogenetic location: 7q21.11.
Variant type: single nucleotide variant.
Coding change: c.11083G>A on transcript NM_033026.6 (MANE Select); coding-DNA position 11083, G replaced by A.
Protein change: p.Ala3695Thr; replaces alanine 3695 with threonine.
Molecular consequence: missense variant.
Genome position (GRCh38, 1-based): chr7:82,949,505, C>T on the plus strand (G>A on the coding strand, the complement: PCLO is on the minus strand). VCF-style: chr7-82949505-C-T. GRCh37 (hg19) VCF-style: chr7-82578821-C-T.
Other names: c.11083G>A, p.Ala3695Thr (NM_014510.3); short protein forms A3695T.
Identifiers: ClinVar variation 1987445 (VCV001987445.4), dbSNP rs2535670346, ClinGen allele CA367900228.